The following is an entry in ClinVar:

NM_002693.3(POLG):c.139_140del (p.Gln47fs)

Genes: POLG (DNA polymerase gamma, catalytic subunit; minus strand), POLGARF (POLG alternative reading frame; minus strand). Cytogenetic location: 15q26.1.
Variant type: Deletion.
Coding change: c.139_140del on transcript NM_002693.3 (MANE Select); coding-DNA positions 139 to 140, 2 bases deleted (CA; older notation c.139_140delCA).
Protein change: p.Gln47fs; shifts the reading frame from glutamine 47.
Molecular consequence: frameshift variant.
Genome position (GRCh38, 1-based): chr15:89,333,615-89,333,616, TG deleted on the plus strand (CA on the coding strand, the reverse complement: POLG is on the minus strand). VCF-style (leftmost placement, unchanged base first): chr15-89333614-CTG-C. GRCh37 (hg19) VCF-style: chr15-89876845-CTG-C.
Other names: c.194_195del, p.Ala65fs (NM_001430120.1); c.139_140del, p.Gln47fs (NM_001126131.2); short protein forms A65fs, Q47fs.
Identifiers: ClinVar variation 5013999 (VCV005013999.1).
Genomic context (GRCh38, chr15:89,333,614, plus strand): 5'-CCCGCCCTCCGAGGATAGCACTTGCGGCTGCTGAGGCTGCTGTTGCTGCTGCTGCTGCTG[CTG>C]CTGCTGCTGCTGCCGCCGCCGCTGCCCGTCGCTGGGGTCGGACGCGGGGACGGAGCTGGA-3'

ClinVar aggregate classification (germline): Pathogenic (1 of 4 stars; one submission).

Conditions:
POLG-related disorder. Also called: POLG-Related Spectrum Disorders; POLG-related condition; POLG-Related Disorders. Identifiers: MedGen C4763519.

Submission:

Myriad Genetics, Inc.
Classification: Pathogenic for POLG-related disorder. Last evaluated: 2025-01-22. Review status: criteria provided, single submitter. Criteria: Myriad Autosomal Dominant, Autosomal Recessive and X-Linked Classification Criteria (2023). Collection method: clinical testing. Allele origin: unknown.
Comment: NM_002693.2(POLG):c.139_140delCA(Q47Afs*196) is expected to be pathogenic in the context of POLG-related disorders. This variant is predicted to lead to an abnormal or absent protein product due to the creation of a premature termination codon in POLG, a gene where loss-of-function variants are known to be pathogenic. Please note: this variant was assessed in the context of healthy population screening.